The following is an entry in ClinVar:

ClinVar aggregate classification (germline): Uncertain significance. Review status: criteria provided, multiple submitters, no conflicts (2 of 4 stars). 2 submissions from 2 submitters: Uncertain significance (2). Last evaluated 2025-03-10.

Conditions:
Inborn genetic diseases. Identifiers: MedGen C0950123, MeSH D030342.
Autosomal dominant Parkinson disease 8. Also called: LRRK2-Related Parkinson Disease; Parkinson disease 8; Parkinson disease 8, susceptibility to. Identifiers: Orphanet 411602, MedGen C1846862, MONDO:0011764, OMIM 607060.

Allele frequency attached by ClinVar (database versions not stated): ExAC 0.00002; gnomAD 0.00004; TOPMed 0.00005; ESP Exome Variant Server 0.00008.
gnomAD v4.1: 18 of 1,612,812 alleles (0.0011%); highest among the groups gnomAD compares: African/African-American, 0.004%; no homozygotes.

Submissions (2):

Labcorp Genetics (formerly Invitae), Labcorp
Classification: Uncertain significance for Autosomal dominant Parkinson disease 8. Last evaluated: 2025-03-10. Review status: criteria provided, single submitter. Criteria: Invitae Variant Classification Sherloc (09022015). Collection method: clinical testing. Allele origin: germline.
Comment: This sequence change replaces alanine, which is neutral and non-polar, with valine, which is neutral and non-polar, at codon 233 of the LRRK2 protein (p.Ala233Val). This variant is present in population databases (rs377217716, gnomAD 0.008%). This variant has not been reported in the literature in individuals affected with LRRK2-related conditions. ClinVar contains an entry for this variant (Variation ID: 1756461). Invitae Evidence Modeling of protein sequence and biophysical properties (such as structural, functional, and spatial information, amino acid conservation, physicochemical variation, residue mobility, and thermodynamic stability) has been performed for this missense variant. However, the output from this modeling did not meet the statistical confidence thresholds required to predict the impact of this variant on LRRK2 protein function. In summary, the available evidence is currently insufficient to determine the role of this variant in disease. Therefore, it has been classified as a Variant of Uncertain Significance.

Ambry Genetics
Classification: Uncertain significance for Inborn genetic diseases. Last evaluated: 2024-03-02. Review status: criteria provided, single submitter. Criteria: Ambry Variant Classification Scheme 2023. Collection method: clinical testing. Allele origin: germline.
Comment: The p.A233V variant (also known as c.698C>T), located in coding exon 6 of the LRRK2 gene, results from a C to T substitution at nucleotide position 698. The alanine at codon 233 is replaced by valine, an amino acid with similar properties. This amino acid position is conserved. In addition, the in silico prediction for this alteration is inconclusive. Since supporting evidence is limited at this time, the clinical significance of this alteration remains unclear.

NM_198578.4(LRRK2):c.698C>T (p.Ala233Val)

Gene: LRRK2 (leucine rich repeat kinase 2; plus strand). Cytogenetic location: 12q12.
Variant type: single nucleotide variant.
Coding change: c.698C>T on transcript NM_198578.4 (MANE Select); coding-DNA position 698, C replaced by T.
Protein change: p.Ala233Val; replaces alanine 233 with valine.
Molecular consequence: missense variant.
Genome position (GRCh38, 1-based): chr12:40,240,609, C>T. VCF-style: chr12-40240609-C-T. GRCh37 (hg19) VCF-style: chr12-40634411-C-T.
Other names: short protein forms A233V.
Identifiers: ClinVar variation 1756461 (VCV001756461.7), dbSNP rs377217716, ClinGen allele CA6513155.